The following is an entry in ClinVar:

ClinVar aggregate classification (germline): Uncertain significance (1 of 4 stars; one submission).

Conditions:
Cardiovascular phenotype. Identifiers: MedGen CN230736.

Submission:

Ambry Genetics
Classification: Uncertain significance for Cardiovascular phenotype. Last evaluated: 2023-05-29. Review status: criteria provided, single submitter. Criteria: Ambry Variant Classification Scheme 2023. Collection method: clinical testing. Allele origin: germline.
Comment: The p.S342P variant (also known as c.1024T>C), located in coding exon 9 of the EFEMP2 gene, results from a T to C substitution at nucleotide position 1024. The serine at codon 342 is replaced by proline, an amino acid with similar properties. This amino acid position is conserved. In addition, this alteration is predicted to be deleterious by in silico analysis. Since supporting evidence is limited at this time, the clinical significance of this alteration remains unclear.

NM_016938.5(EFEMP2):c.1024T>C (p.Ser342Pro)

Gene: EFEMP2 (EGF containing fibulin extracellular matrix protein 2; minus strand). Cytogenetic location: 11q13.1.
Variant type: single nucleotide variant.
Coding change: c.1024T>C on transcript NM_016938.5 (MANE Select); coding-DNA position 1024, T replaced by C.
Protein change: p.Ser342Pro; replaces serine 342 with proline.
Molecular consequence: missense variant. On other transcripts: non-coding transcript variant (1).
Genome position (GRCh38, 1-based): chr11:65,868,007, A>G on the plus strand (T>C on the coding strand, the complement: EFEMP2 is on the minus strand). VCF-style: chr11-65868007-A-G. GRCh37 (hg19) VCF-style: chr11-65635478-A-G.
Other names: short protein forms S342P.
Identifiers: ClinVar variation 2563688 (VCV002563688.2), dbSNP rs2495572682, ClinGen allele CA381352104.